The following is an entry in ClinVar:

NM_015386.3(COG4):c.41T>C (p.Leu14Pro)

Gene: COG4 (component of oligomeric golgi complex 4; minus strand). Cytogenetic location: 16q22.1.
Variant type: single nucleotide variant.
Coding change: c.41T>C on transcript NM_015386.3 (MANE Select); coding-DNA position 41, T replaced by C.
Protein change: p.Leu14Pro; replaces leucine 14 with proline.
Molecular consequence: missense variant. On other transcripts: 5 prime UTR variant (1), non-coding transcript variant (1).
Genome position (GRCh38, 1-based): chr16:70,523,503, A>G on the plus strand (T>C on the coding strand, the complement: COG4 is on the minus strand). VCF-style: chr16-70523503-A-G. GRCh37 (hg19) VCF-style: chr16-70557406-A-G.
Other names: c.29T>C, p.Leu10Pro (NM_001195139.2); c.-559T>C (NM_001365426.1); short protein forms L14P, L10P.
Identifiers: ClinVar variation 2386086 (VCV002386086.3), dbSNP rs200844029, ClinGen allele CA8144849.

ClinVar aggregate classification (germline): Uncertain significance. Review status: criteria provided, multiple submitters, no conflicts (2 of 4 stars). 2 submissions from 2 submitters: Uncertain significance (2). Last evaluated 2025-08-05.

Conditions:
Inborn genetic diseases. Identifiers: MedGen C0950123, MeSH D030342.

Allele frequency attached by ClinVar (database versions not stated): gnomAD exomes 0.00026; gnomAD 0.00008; ExAC 0.00006; TOPMed 0.00009.
gnomAD v4.1: 387 of 1,613,902 alleles (0.024%); highest among the groups gnomAD compares: Non-Finnish European, 0.03%; no homozygotes.

Submissions (2):

GeneDx
Classification: Uncertain significance. Last evaluated: 2025-08-05. Review status: criteria provided, single submitter. Criteria: GeneDx Variant Classification Process June 2021. Collection method: clinical testing. Allele origin: germline. Affected: yes.
Comment: In silico analysis suggests that this missense variant does not alter protein structure/function; Has not been previously published as pathogenic or benign to our knowledge

Ambry Genetics
Classification: Uncertain significance for Inborn genetic diseases. Last evaluated: 2020-11-02. Review status: criteria provided, single submitter. Criteria: Ambry Variant Classification Scheme 2023. Collection method: clinical testing. Allele origin: germline.
Comment: The c.41T>C (p.L14P) alteration is located in exon 1 (coding exon 1) of the COG4 gene. This alteration results from a T to C substitution at nucleotide position 41, causing the leucine (L) at amino acid position 14 to be replaced by a proline (P). Based on data from the Genome Aggregation Database (gnomAD) database, the COG4 c.41T>C alteration was observed in 0.012% (35/282,432) of total alleles studied, with a frequency of 0.05% (12/25,112) in the European (Finnish) subpopulation. This amino acid position is not well conserved in available vertebrate species. The p.L14P alteration is predicted to be tolerated by in silico analysis. Based on insufficient or conflicting evidence, the clinical significance of this alteration remains unclear.